The following is an entry in ClinVar:

ClinVar aggregate classification (germline): Uncertain significance. Review status: criteria provided, multiple submitters, no conflicts (2 of 4 stars). 2 submissions from 2 submitters: Uncertain significance (2). Last evaluated 2025-05-24.

Allele frequency attached by ClinVar (database versions not stated): gnomAD exomes below 0.00001; gnomAD 0.00001.
gnomAD v4.1: 9 of 1,610,532 alleles (0.00056%); highest among the groups gnomAD compares: Admixed American, 0.0017%; no homozygotes.

Submissions (2):

Ambry Genetics
Classification: Uncertain significance. Last evaluated: 2025-05-24. Review status: criteria provided, single submitter. Criteria: Ambry Variant Classification Scheme 2023. Collection method: clinical testing. Allele origin: germline.
Comment: The p.Q339E variant (also known as c.1015C>G), located in coding exon 8 of the RINT1 gene, results from a C to G substitution at nucleotide position 1015. The glutamine at codon 339 is replaced by glutamic acid, an amino acid with highly similar properties. This amino acid position is highly conserved in available vertebrate species. In addition, the in silico prediction for this alteration is inconclusive. Since supporting evidence is limited at this time, the clinical significance of this alteration remains unclear.

Labcorp Genetics (formerly Invitae), Labcorp
Classification: Uncertain significance. Last evaluated: 2020-06-29. Review status: criteria provided, single submitter. Criteria: Invitae Variant Classification Sherloc (09022015). Collection method: clinical testing. Allele origin: germline.
Comment: In summary, the available evidence is currently insufficient to determine the role of this variant in disease. Therefore, it has been classified as a Variant of Uncertain Significance. Algorithms developed to predict the effect of missense changes on protein structure and function are either unavailable or do not agree on the potential impact of this missense change (SIFT: "Deleterious"; PolyPhen-2: "Probably Damaging"; Align-GVGD: "Class C0"). This variant has not been reported in the literature in individuals with RINT1-related conditions. This variant is not present in population databases (ExAC no frequency). This sequence change replaces glutamine with glutamic acid at codon 339 of the RINT1 protein (p.Gln339Glu). The glutamine residue is highly conserved and there is a small physicochemical difference between glutamine and glutamic acid.

NM_021930.6(RINT1):c.1015C>G (p.Gln339Glu)

Gene: RINT1 (RAD50 interactor 1; plus strand). Cytogenetic location: 7q22.3.
Variant type: single nucleotide variant.
Coding change: c.1015C>G on transcript NM_021930.6 (MANE Select); coding-DNA position 1015, C replaced by G.
Protein change: p.Gln339Glu; replaces glutamine 339 with glutamic acid.
Molecular consequence: missense variant. On other transcripts: 5 prime UTR variant (2), non-coding transcript variant (1).
Genome position (GRCh38, 1-based): chr7:105,550,073, C>G. VCF-style: chr7-105550073-C-G. GRCh37 (hg19) VCF-style: chr7-105190520-C-G.
Other names: c.781C>G, p.Gln261Glu (NM_001346599.2); c.-9C>G (NM_001346600.2, NM_001346603.2); c.91C>G, p.Gln31Glu (NM_001346601.2); short protein forms Q31E, Q339E, Q261E.
Identifiers: ClinVar variation 1042589 (VCV001042589.12), dbSNP rs199752527, ClinGen allele CA164057323.